The following is an entry in ClinVar:

ClinVar aggregate classification (germline): Conflicting classifications of pathogenicity. Review status: criteria provided, conflicting classifications (1 of 4 stars). 3 submissions from 3 submitters: Uncertain significance (1); Likely benign (2). Last evaluated 2025-10-01.

Conditions:
Collagen 6-related myopathy. Identifiers: MedGen CN117976, MONDO:0100225.
Bethlem myopathy 1A. Also called: Bethlem Muscular Dystrophy; MYOPATHY, BENIGN CONGENITAL, WITH CONTRACTURES; Bethlem myopathy 1. Identifiers: Orphanet 610, MedGen CN029274, MONDO:0024530, OMIM 158810.

Allele frequency attached by ClinVar (database versions not stated): gnomAD exomes 0.00002 and 0.00003; ExAC 0.00003; gnomAD 0.00004 and 0.00005; TOPMed 0.00004; 1000 Genomes Project 30x 0.00016; 1000 Genomes Project 0.00020.
gnomAD v4.1: 46 of 1,601,204 alleles (0.0029%); highest among the groups gnomAD compares: East Asian, 0.0089%; no homozygotes.

Submissions (3):

Labcorp Genetics (formerly Invitae), Labcorp
Classification: Likely benign for Bethlem myopathy 1A. Last evaluated: 2025-10-01. Review status: criteria provided, single submitter. Criteria: Invitae Variant Classification Sherloc (09022015). Collection method: clinical testing. Allele origin: germline.

Illumina Laboratory Services, Illumina
Classification: Likely benign for Collagen VI-related myopathy. Last evaluated: 2018-01-13. Review status: criteria provided, single submitter. Criteria: ICSL Variant Classification Criteria 13 December 2019. Collection method: clinical testing. Allele origin: germline.
Comment: This variant was observed in the ICSL laboratory as part of a predisposition screen in an ostensibly healthy population. It had not been previously curated by ICSL or reported in the Human Gene Mutation Database (HGMD: prior to June 1st, 2018), and was therefore a candidate for classification through an automated scoring system. Utilizing variant allele frequency, disease prevalence and penetrance estimates, and inheritance mode, an automated score was calculated to assess if this variant is too frequent to cause the disease. Based on the score and internal cut-off values, a variant classified as likely benign is not then subjected to further curation. The score for this variant resulted in a classification of likely benign for this disease.

Eurofins Ntd Llc (ga)
Classification: Uncertain significance. Last evaluated: 2016-07-11. Review status: criteria provided, single submitter. Criteria: EGL Classification Definitions 2015. Collection method: clinical testing. Allele origin: germline. Observed: 1 variant allele, 1 heterozygote.

NM_004369.4(COL6A3):c.2529C>T (p.Asp843=)

Gene: COL6A3 (collagen type VI alpha 3 chain; minus strand). Cytogenetic location: 2q37.3.
Variant type: single nucleotide variant.
Coding change: c.2529C>T on transcript NM_004369.4 (MANE Select); coding-DNA position 2529, C replaced by T.
Protein change: p.Asp843=; no amino-acid change (aspartic acid 843 retained).
Molecular consequence: synonymous variant.
Genome position (GRCh38, 1-based): chr2:237,377,313, G>A on the plus strand (C>T on the coding strand, the complement: COL6A3 is on the minus strand). VCF-style: chr2-237377313-G-A. GRCh37 (hg19) VCF-style: chr2-238285956-G-A.
Other names: c.1308C>T, p.Asp436= (NM_057164.5); c.1911C>T, p.Asp637= (NM_057165.5, NM_057167.4); c.708C>T, p.Asp236= (NM_057166.5).
Identifiers: ClinVar variation 289338 (VCV000289338.17), dbSNP rs556079869, ClinGen allele CA2189374.